The following is an entry in ClinVar:

NM_012254.3(SLC27A5):c.1765+2T>A

Gene: SLC27A5 (solute carrier family 27 member 5; minus strand). Cytogenetic location: 19q13.43.
Variant type: single nucleotide variant.
Coding change: c.1765+2T>A on transcript NM_012254.3 (MANE Select); the canonical splice donor site of the intron after coding-DNA position 1765, T replaced by A.
Molecular consequence: splice donor variant.
Genome position (GRCh38, 1-based): chr19:58,499,121, A>T on the plus strand (T>A on the coding strand, the complement: SLC27A5 is on the minus strand). VCF-style: chr19-58499121-A-T. GRCh37 (hg19) VCF-style: chr19-59010488-A-T.
Other names: c.1513+2T>A (NM_001321196.2).
Identifiers: ClinVar variation 3380640 (VCV003380640.1).

ClinVar aggregate classification (germline): Uncertain significance (1 of 4 stars; one submission).

gnomAD v4.1: 4 of 1,613,936 alleles (0.00025%); highest among the groups gnomAD compares: Admixed American, 0.0067%; no homozygotes.

Submission:

Mayo Clinic Laboratories, Mayo Clinic
Classification: Uncertain significance. Last evaluated: 2024-05-17. Review status: criteria provided, single submitter. Criteria: ACMG Guidelines, 2015. Collection method: clinical testing. Allele origin: germline. Observed: 1 variant allele.
Comment: PP3, PM2